The following is an entry in ClinVar:

NM_181303.2(NLGN3):c.1718C>T (p.Pro573Leu)

Gene: NLGN3 (neuroligin 3; plus strand). Cytogenetic location: Xq13.1.
Variant type: single nucleotide variant.
Coding change: c.1718C>T on transcript NM_181303.2 (MANE Select); coding-DNA position 1718, C replaced by T.
Protein change: p.Pro573Leu; replaces proline 573 with leucine.
Molecular consequence: missense variant.
Genome position (GRCh38, 1-based): chrX:71,169,268, C>T. VCF-style: chrX-71169268-C-T. GRCh37 (hg19) VCF-style: chrX-70389118-C-T.
Other names: c.1598C>T, p.Pro533Leu (NM_001166660.2); c.1307C>T, p.Pro436Leu (NM_001321276.2); c.1658C>T, p.Pro553Leu (NM_018977.4); short protein forms P436L, P533L, P553L, P573L.
Identifiers: ClinVar variation 2576944 (VCV002576944.2), dbSNP rs1292153097, ClinGen allele CA413564456.

ClinVar aggregate classification (germline): Uncertain significance (1 of 4 stars; one submission).

Allele frequency attached by ClinVar (database versions not stated): TOPMed 0.00001; gnomAD exomes below 0.00001.

Submission:

GeneDx
Classification: Uncertain significance. Last evaluated: 2024-08-29. Review status: criteria provided, single submitter. Criteria: GeneDx Variant Classification Process June 2021. Collection method: clinical testing. Allele origin: germline.
Comment: Not observed in large population cohorts (gnomAD); In silico analysis supports that this missense variant has a deleterious effect on protein structure/function; Has not been previously published as pathogenic or benign to our knowledge